The following is an entry in ClinVar:

ClinVar aggregate classification (germline): Pathogenic/Likely pathogenic. Review status: criteria provided, multiple submitters, no conflicts (2 of 4 stars). 5 submissions from 4 submitters: Pathogenic (1); Likely pathogenic (4). Last evaluated 2025-10-28.

Conditions:
HSPG2-related disorder. Also called: HSPG2-related condition; HSPG2-related disorders.
Schwartz-Jampel syndrome type 1 (SJS1). Also called: MYOTONIC MYOPATHY, DWARFISM, CHONDRODYSTROPHY, AND OCULAR AND FACIAL ABNORMALITIES; CHONDRODYSTROPHIC MYOTONIA. Identifiers: MedGen C4551479, MONDO:0100435, OMIM 255800.
Schwartz-Jampel syndrome. Also called: Myotonic myopathy dwarfism chondrodystrophy and ocular and facial abnormalities. Identifiers: Orphanet 800, MedGen C0036391, MONDO:0009717.
Lethal Kniest-like syndrome (DDSH). Also called: Dyssegmental Dysplasia. Identifiers: Orphanet 1865, MedGen C1857100, MONDO:0009140, OMIM 224410.

Allele frequency attached by ClinVar (database versions not stated): gnomAD exomes below 0.00001 and 0.00001.
gnomAD v4.1: 14 of 1,609,254 alleles (0.00087%); highest among the groups gnomAD compares: East Asian, 0.02%; no homozygotes.

Submissions (5):

3billion
Classification: Likely pathogenic for Schwartz-Jampel syndrome type 1. Last evaluated: 2025-10-28. Review status: criteria provided, single submitter. Criteria: ACMG Guidelines, 2015. Collection method: clinical testing. Allele origin: germline. Affected: yes.
Comment: The variant is observed at an extremely low frequency in the gnomAD v4.1.0 dataset (total allele frequency: <0.001%). Predicted Consequence/Location: Missense variant. The majority of the known disease-causing variants of this gene are variants expected to result in premature termination of the protein. In silico tool predictions suggest damaging effect of the variant on gene or gene product [REVEL: 0.80 (>=0.6, sensitivity 0.68 and specificity 0.92)]. The same nucleotide change resulting in the same amino acid change has been previously reported as pathogenic/likely pathogenic with strong evidence (ClinVar ID: VCV000982057 /PMID: 29620724 /3billion dataset). Therefore, this variant is classified as Likely pathogenic according to the recommendation of ACMG/AMP guideline.

Genomic Medicine Center of Excellence, King Faisal Specialist Hospital and Research Centre
Classification: Likely pathogenic for Schwartz-Jampel syndrome type 1. Last evaluated: 2024-03-25. Review status: criteria provided, single submitter. Criteria: ACMG Guidelines, 2015. Collection method: clinical testing. Allele origin: germline.

Blueprint Genetics
Classification: Pathogenic for HSPG2-related disorders. Last evaluated: 2021-10-15. Review status: criteria provided, single submitter. Criteria: ACMG Guidelines, 2015. Collection method: clinical testing. Allele origin: germline. Affected: yes. Observed: 3 variant alleles.

Pathology and Clinical Laboratory Medicine, King Fahad Medical City
Classification: Likely pathogenic for Schwartz-Jampel syndrome type 1. Review status: criteria provided, single submitter. Criteria: ACMG Guidelines, 2015. Collection method: clinical testing. Allele origin: germline. Affected: yes. Observed: 1 variant allele.

Pathology and Clinical Laboratory Medicine, King Fahad Medical City
Classification: Likely pathogenic for Lethal Kniest-like syndrome. Review status: criteria provided, single submitter. Criteria: ACMG Guidelines, 2015. Collection method: clinical testing. Allele origin: germline. Affected: yes. Observed: 5 variant alleles.

Literature cited by the submitters: PubMed 29620724 (cited by 3billion).

NM_005529.7(HSPG2):c.9970G>A (p.Gly3324Arg)

Gene: HSPG2 (heparan sulfate proteoglycan 2; minus strand). Cytogenetic location: 1p36.12.
Variant type: single nucleotide variant.
Coding change: c.9970G>A on transcript NM_005529.7 (MANE Select); coding-DNA position 9970, G replaced by A.
Protein change: p.Gly3324Arg; replaces glycine 3324 with arginine.
Molecular consequence: missense variant.
Genome position (GRCh38, 1-based): chr1:21,839,005, C>T on the plus strand (G>A on the coding strand, the complement: HSPG2 is on the minus strand). VCF-style: chr1-21839005-C-T. GRCh37 (hg19) VCF-style: chr1-22165498-C-T.
Other names: c.9973G>A, p.Gly3325Arg (NM_001291860.2); short protein forms G3324R, G3325R.
Identifiers: ClinVar variation 982057 (VCV000982057.7), dbSNP rs1294413650, ClinGen allele CA338912092.